The following is an entry in ClinVar:

NM_001365276.2(TNXB):c.6171C>T (p.Gly2057=)

Gene: TNXB (tenascin XB; minus strand). Cytogenetic location: 6p21.33.
Variant type: single nucleotide variant.
Coding change: c.6171C>T on transcript NM_001365276.2 (MANE Select); coding-DNA position 6171, C replaced by T.
Protein change: p.Gly2057=; no amino-acid change (glycine 2057 retained).
Molecular consequence: synonymous variant.
Genome position (GRCh38, 1-based): chr6:32,068,439, G>A on the plus strand (C>T on the coding strand, the complement: TNXB is on the minus strand). VCF-style: chr6-32068439-G-A. GRCh37 (hg19) VCF-style: chr6-32036216-G-A.
Other names: c.6171C>T, p.Gly2057= (NM_019105.8).
Identifiers: ClinVar variation 1752009 (VCV001752009.15), dbSNP rs750260341, ClinGen allele CA3734515.

ClinVar aggregate classification (germline): Conflicting classifications of pathogenicity. Review status: criteria provided, conflicting classifications (1 of 4 stars). 5 submissions from 5 submitters: Uncertain significance (1); Likely benign (3). 1 of the submissions does not count toward it. Last evaluated 2025-09-09.

Conditions:
Cardiovascular phenotype. Identifiers: MedGen CN230736.
Vesicoureteral reflux 8 (VUR8). Identifiers: Orphanet 289365, MedGen C4014831, MONDO:0014422, OMIM 615963.
TNXB-related disorder. Also called: TNXB-related condition.

Allele frequency attached by ClinVar (database versions not stated): ExAC 0.00001; gnomAD exomes 0.00001; TOPMed 0.00002.

Submissions (5):

Women's Health and Genetics/Laboratory Corporation of America, LabCorp
Classification: Likely benign. Last evaluated: 2025-09-09. Review status: criteria provided, single submitter. Criteria: LabCorp Variant Classification Summary - May 2015. Collection method: clinical testing. Allele origin: germline.

CeGaT Center for Human Genetics Tuebingen
Classification: Likely benign. Last evaluated: 2025-06-01. Review status: criteria provided, single submitter. Criteria: CeGaT Center For Human Genetics Tuebingen Variant Classification Criteria Version 2. Collection method: clinical testing. Allele origin: germline. Affected: yes. Observed: 1 variant allele.
Comment: TNXB: BP4, BP7

Revvity Omics, Revvity
Classification: Uncertain significance for Vesicoureteral reflux 8. Last evaluated: 2021-01-29. Review status: criteria provided, single submitter. Criteria: ACMG Guidelines, 2015. Collection method: clinical testing. Allele origin: germline.

Ambry Genetics
Classification: Likely benign for Cardiovascular phenotype. Last evaluated: 2020-09-01. Review status: criteria provided, single submitter. Criteria: Ambry Variant Classification Scheme 2023. Collection method: clinical testing. Allele origin: germline.

PreventionGenetics, part of Exact Sciences
Classification: Likely benign for TNXB-related condition. Last evaluated: 2021-11-01. Review status: no assertion criteria provided. Collection method: clinical testing. Allele origin: germline. Not counted in ClinVar's aggregate classification.
Comment: This variant is classified as likely benign based on ACMG/AMP sequence variant interpretation guidelines (Richards et al. 2015 PMID: 25741868, with internal and published modifications).